The following is an entry in ClinVar:

ClinVar aggregate classification (germline): Uncertain significance (1 of 4 stars; one submission).

Conditions:
Von Hippel-Lindau syndrome (VHLS). Also called: VHL syndrome; Von Hippel-Lindau; von Hippel–Lindau syndrome. Identifiers: Orphanet 892, MedGen C0019562, MONDO:0008667, OMIM 193300. Disease mechanism: loss of function.
Chuvash polycythemia. Also called: POLYCYTHEMIA, VHL-DEPENDENT. Identifiers: Orphanet 238557, MedGen C1837915, MONDO:0009892, OMIM 263400.

Submission:

Labcorp Genetics (formerly Invitae), Labcorp
Classification: Uncertain significance for Von Hippel-Lindau syndrome; Chuvash polycythemia. Last evaluated: 2021-10-01. Review status: criteria provided, single submitter. Criteria: Invitae Variant Classification Sherloc (09022015). Collection method: clinical testing. Allele origin: germline.
Comment: In summary, the available evidence is currently insufficient to determine the role of this variant in disease. Therefore, it has been classified as a Variant of Uncertain Significance. Experimental studies and prediction algorithms are not available or were not evaluated, and the functional significance of this variant is currently unknown. This variant has not been reported in the literature in individuals affected with VHL-related conditions. The frequency data for this variant in the population databases is considered unreliable, as metrics indicate insufficient coverage at this position in the ExAC database. This sequence change falls in intron 1 of the VHL gene. It is not expected to change the encoded amino acid sequence of the VHL protein. However, this sequence change falls within a cryptic exon in the VHL gene, known as exon E1’, which is naturally expressed at low levels in several human tissues (PMID: 29891534).

Literature cited by the submitters: PubMed 29891534.

NM_000551.4(VHL):c.340+746dup

Genes: VHL (von Hippel-Lindau tumor suppressor; plus strand), LOC107303340 (3p25 von Hippel-Lindau tumor suppressor, E3 ubiquitin protein ligase Alu-mediated recombination region; plus strand). Cytogenetic location: 3p25.3.
Variant type: Duplication.
Coding change: c.340+746dup on transcript NM_000551.4 (MANE Select); 746 bases into the intron after coding-DNA position 340, one base duplicated (T; older notation c.340+746dupT).
Molecular consequence: intron variant. On other transcripts: frameshift variant (1).
Genome position (GRCh38, 1-based): chr3:10,142,933, T duplicated. VCF-style (leftmost placement, unchanged base first): chr3-10142932-A-AT. GRCh37 (hg19) VCF-style: chr3-10184616-A-AT.
Other names: c.511dup, p.Trp171fs (NM_001354723.2); c.340+746dup (NM_198156.3); short protein forms W171fs.
Identifiers: ClinVar variation 1418580 (VCV001418580.6), dbSNP rs2125126052, ClinGen allele CA2573136130.